The following is an entry in ClinVar:

NC_000007.14:g.(?_16308513)_(16376251_?)del

Gene: CRPPA (CDP-L-ribitol pyrophosphorylase A; minus strand). Cytogenetic location: 7p21.2.
Variant type: Deletion.
Identifiers: ClinVar variation 663410 (VCV000663410.9).

ClinVar aggregate classification (germline): Pathogenic (1 of 4 stars; one submission).

Conditions:
Autosomal recessive limb-girdle muscular dystrophy type 2U. Also called: Muscular dystrophy-dystroglycanopathy (limb-girdle), type c, 7; MUSCULAR DYSTROPHY, LIMB-GIRDLE, TYPE 2U. Identifiers: Orphanet 352479, MedGen C5190987, MONDO:0014474, OMIM 616052.
Muscular dystrophy-dystroglycanopathy (congenital with brain and eye anomalies), type A, 7. Also called: WALKER-WARBURG SYNDROME OR MUSCLE-EYE-BRAIN DISEASE, ISPD-RELATED; Congenital muscular dystrophy-dystroglycanopathy with brain and eye anomalies, type A7. Identifiers: Orphanet 899, MedGen C3553330, MONDO:0013835, OMIM 614643.

Submission:

Labcorp Genetics (formerly Invitae), Labcorp
Classification: Pathogenic for Muscular dystrophy-dystroglycanopathy (congenital with brain and eye anomalies), type A, 7; Autosomal recessive limb-girdle muscular dystrophy type 2U. Last evaluated: 2022-08-16. Review status: criteria provided, single submitter. Criteria: Invitae Variant Classification Sherloc (09022015). Collection method: clinical testing. Allele origin: germline.
Comment: For these reasons, this variant has been classified as Pathogenic. The region of the ISPD gene that includes exon(s) 3 has been determined to be clinically significant (PMID: 22522420). Therefore, deletions that encompass that region are likely to be disease-causing. This variant has not been reported in the literature in individuals affected with ISPD-related conditions. This variant is a gross deletion of the genomic region encompassing exon(s) 3-4 of the ISPD gene. This variant would be expected to be in-frame, preserving the integrity of the reading frame.

Literature cited by the submitters: PubMed 22522420.